The following is an entry in ClinVar:

ClinVar aggregate classification (germline): Uncertain significance (1 of 4 stars; one submission).

Allele frequency attached by ClinVar (database versions not stated): ExAC 0.00001.
gnomAD v4.1: 3 of 1,598,744 alleles (0.00019%); highest among the groups gnomAD compares: South Asian, 0.0011%; no homozygotes.

Submission:

Labcorp Genetics (formerly Invitae), Labcorp
Classification: Uncertain significance. Last evaluated: 2022-07-19. Review status: criteria provided, single submitter. Criteria: Invitae Variant Classification Sherloc (09022015). Collection method: clinical testing. Allele origin: germline.
Comment: In summary, the available evidence is currently insufficient to determine the role of this variant in disease. Therefore, it has been classified as a Variant of Uncertain Significance. Algorithms developed to predict the effect of missense changes on protein structure and function are either unavailable or do not agree on the potential impact of this missense change (SIFT: "Deleterious"; PolyPhen-2: "Benign"; Align-GVGD: "Class C0"). ClinVar contains an entry for this variant (Variation ID: 1349034). This variant has not been reported in the literature in individuals affected with ASAH1-related conditions. This variant is present in population databases (rs767367873, gnomAD 0.003%). This sequence change replaces cysteine, which is neutral and slightly polar, with tryptophan, which is neutral and slightly polar, at codon 6 of the ASAH1 protein (p.Cys6Trp).

NM_177924.5(ASAH1):c.18C>G (p.Cys6Trp)

Genes: ASAH1 (N-acylsphingosine amidohydrolase 1; minus strand), LOC129999940 (ATAC-STARR-seq lymphoblastoid silent region 18966; plus strand). Cytogenetic location: 8p22.
Variant type: single nucleotide variant.
Coding change: c.18C>G on transcript NM_177924.5 (MANE Select); coding-DNA position 18, C replaced by G.
Protein change: p.Cys6Trp; replaces cysteine 6 with tryptophan.
Molecular consequence: missense variant. On other transcripts: intron variant (2).
Genome position (GRCh38, 1-based): chr8:18,084,041, G>C on the plus strand (C>G on the coding strand, the complement: ASAH1 is on the minus strand). VCF-style: chr8-18084041-G-C. GRCh37 (hg19) VCF-style: chr8-17941550-G-C.
Other names: c.126+635C>G (NM_004315.6, NM_001127505.3); short protein forms C6W.
Identifiers: ClinVar variation 1349034 (VCV001349034.8), dbSNP rs767367873, ClinGen allele CA4651133.